The following is an entry in ClinVar:

NM_001267550.2(TTN):c.95431C>T (p.Pro31811Ser)

Genes: TTN (titin; minus strand), TTN-AS1 (TTN antisense RNA 1; plus strand). Cytogenetic location: 2q31.2.
Variant type: single nucleotide variant.
Coding change: c.95431C>T on transcript NM_001267550.2 (MANE Select); coding-DNA position 95431, C replaced by T.
Protein change: p.Pro31811Ser; replaces proline 31811 with serine.
Molecular consequence: missense variant.
Genome position (GRCh38, 1-based): chr2:178,545,679, G>A on the plus strand (C>T on the coding strand, the complement: TTN is on the minus strand). VCF-style: chr2-178545679-G-A. GRCh37 (hg19) VCF-style: chr2-179410406-G-A.
Other names: c.90508C>T, p.Pro30170Ser (NM_001256850.1); c.68236C>T, p.Pro22746Ser (NM_003319.4); c.87727C>T, p.Pro29243Ser (NM_133378.4); c.68611C>T, p.Pro22871Ser (NM_133432.3); c.68812C>T, p.Pro22938Ser (NM_133437.4); short protein forms P22746S, P22871S, P22938S, P29243S, P30170S, P31811S.
Identifiers: ClinVar variation 1677526 (VCV001677526.2), dbSNP rs373291051, ClinGen allele CA349461687.

ClinVar aggregate classification (germline): Uncertain significance. Review status: criteria provided, multiple submitters, no conflicts (2 of 4 stars). 2 submissions from 2 submitters: Uncertain significance (2). Last evaluated 2022-06-20.

Allele frequency attached by ClinVar (database versions not stated): gnomAD 0.00001.
gnomAD v4.1: 3 of 1,612,788 alleles (0.00019%); highest among the groups gnomAD compares: Admixed American, 0.0017%; no homozygotes.

Submissions (2):

Women's Health and Genetics/Laboratory Corporation of America, LabCorp
Classification: Uncertain significance. Last evaluated: 2022-06-20. Review status: criteria provided, single submitter. Criteria: LabCorp Variant Classification Summary - May 2015. Collection method: clinical testing. Allele origin: germline.
Comment: Variant summary: TTN c.87727C>T (p.Pro29243Ser) results in a non-conservative amino acid change located in the A-band region of the encoded protein sequence. Four of four in-silico tools predict a damaging effect of the variant on protein function. The variant was absent in 248396 control chromosomes (gnomAD). The available data on variant occurrences in the general population are insufficient to allow any conclusion about variant significance. To our knowledge, no occurrence of c.87727C>T in individuals affected with Limb-Girdle Muscular Dystrophy, Cardiomyopathy, or TTN-related disorders and no experimental evidence demonstrating its impact on protein function have been reported. One clinical diagnostic laboratory has submitted clinical-significance assessments for this variant to ClinVar after 2014 and classified the variant as uncertain significance. Based on the evidence outlined above, the variant was classified as uncertain significance.

AiLife Diagnostics
Classification: Uncertain significance. Last evaluated: 2021-09-29. Review status: criteria provided, single submitter. Criteria: ACMG Guidelines, 2015. Collection method: clinical testing. Allele origin: germline. Affected: yes. Observed: 1 variant allele.